The following is an entry in ClinVar:

ClinVar aggregate classification (germline): Conflicting classifications of pathogenicity. Review status: criteria provided, conflicting classifications (1 of 4 stars). 10 submissions from 10 submitters: Uncertain significance (7); Likely benign (1). 2 of the submissions do not count toward it. Last evaluated 2025-04-30.

Conditions:
VPS13B-related disorder. Also called: VPS13B-related condition.
Inborn genetic diseases. Identifiers: MedGen C0950123, MeSH D030342.
Cohen syndrome (COH1). Also called: PEPPER SYNDROME; Cutis verticis gyrata, retinitis pigmentosa, and sensorineural deafness. Identifiers: Orphanet 193, MedGen C0265223, MONDO:0008999, OMIM 216550.
Intellectual disability. Also called: intellectual disabilities; Intellectual developmental disorder; Intellectual functioning disability. Identifiers: MedGen C3714756, MeSH D008607, MONDO:0001071, HP:0001249.

Allele frequency attached by ClinVar (database versions not stated): ExAC 0.00005; gnomAD exomes 0.00006 and 0.00015; ESP Exome Variant Server 0.00008; TOPMed 0.00009; gnomAD 0.00012 and 0.00013.
gnomAD v4.1: 250 of 1,614,102 alleles (0.015%); highest among the groups gnomAD compares: Non-Finnish European, 0.019%; no homozygotes.

Submissions (10):

Mayo Clinic Laboratories, Mayo Clinic
Classification: Uncertain significance. Last evaluated: 2025-04-30. Review status: criteria provided, single submitter. Criteria: ACMG Guidelines, 2015. Collection method: clinical testing. Allele origin: germline. Observed: 2 variant alleles.
Comment: PP3

Blueprint Genetics
Classification: Uncertain significance. Last evaluated: 2024-07-02. Review status: criteria provided, single submitter. Criteria: ACMG Guidelines, 2015. Collection method: clinical testing. Allele origin: germline.

Labcorp Genetics (formerly Invitae), Labcorp
Classification: Uncertain significance for Cohen syndrome. Last evaluated: 2022-06-13. Review status: criteria provided, single submitter. Criteria: Invitae Variant Classification Sherloc (09022015). Collection method: clinical testing. Allele origin: germline.
Comment: This sequence change replaces lysine, which is basic and polar, with arginine, which is basic and polar, at codon 19 of the VPS13B protein (p.Lys19Arg). This variant is present in population databases (rs200327756, gnomAD 0.01%). This variant has not been reported in the literature in individuals affected with VPS13B-related conditions. ClinVar contains an entry for this variant (Variation ID: 195336). Algorithms developed to predict the effect of missense changes on protein structure and function are either unavailable or do not agree on the potential impact of this missense change (SIFT: "Not Available"; PolyPhen-2: "Possibly Damaging"; Align-GVGD: "Not Available"). Algorithms developed to predict the effect of sequence changes on RNA splicing suggest that this variant may create or strengthen a splice site. In summary, the available evidence is currently insufficient to determine the role of this variant in disease. Therefore, it has been classified as a Variant of Uncertain Significance.

Athena Diagnostics
Classification: Uncertain significance. Last evaluated: 2021-10-20. Review status: criteria provided, single submitter. Criteria: Athena Diagnostics Criteria. Collection method: clinical testing. Allele origin: unknown.

Cambridge Genomics Laboratory, East Genomic Laboratory Hub, NHS Genomic Medicine Service
Classification: Likely benign for Intellectual disability. Last evaluated: 2019-10-17. Review status: criteria provided, single submitter. Criteria: ACGS Best Practice Guidelines for Variant Classification in Rare Disease 2020. Collection method: clinical testing. Allele origin: germline. Affected: yes. Observed: 1 variant allele.

Ambry Genetics
Classification: Uncertain significance for Inborn genetic diseases. Last evaluated: 2018-09-01. Review status: criteria provided, single submitter. Criteria: Ambry Variant Classification Scheme 2023. Collection method: clinical testing. Allele origin: germline.
Comment: The p.K19R variant (also known as c.56A>G), located in coding exon 1 of the VPS13B gene, results from an A to G substitution at nucleotide position 56. The lysine at codon 19 is replaced by arginine, an amino acid with highly similar properties. This amino acid position is highly conserved in available vertebrate species. In addition, the in silico prediction for this alteration is inconclusive. Since supporting evidence is limited at this time, the clinical significance of this alteration remains unclear.

Illumina Laboratory Services, Illumina
Classification: Uncertain significance for Cohen syndrome. Last evaluated: 2018-01-12. Review status: criteria provided, single submitter. Criteria: ICSL Variant Classification Criteria 13 December 2019. Collection method: clinical testing. Allele origin: germline.

Eurofins Ntd Llc (ga)
Classification: Uncertain significance. Last evaluated: 2015-03-25. Review status: criteria provided, single submitter. Criteria: EGL Classification Definitions 2015. Collection method: clinical testing. Allele origin: germline. Observed: 1 variant allele, 1 heterozygote.

PreventionGenetics, part of Exact Sciences
Classification: Uncertain significance for VPS13B-related condition. Last evaluated: 2024-09-01. Review status: no assertion criteria provided. Collection method: clinical testing. Allele origin: germline. Not counted in ClinVar's aggregate classification.
Comment: The VPS13B c.56A>G variant is predicted to result in the amino acid substitution p.Lys19Arg. To our knowledge, this variant has not been reported in the literature. This variant is reported in 0.012% of alleles in individuals of European (Non-Finnish) descent in gnomAD. At this time, the clinical significance of this variant is uncertain due to the absence of conclusive functional and genetic evidence.

Natera, Inc.
Classification: Uncertain significance for Cohen syndrome. Last evaluated: 2020-01-20. Review status: no assertion criteria provided. Collection method: clinical testing. Allele origin: germline. Not counted in ClinVar's aggregate classification.

NM_152564.5(VPS13B):c.56A>G (p.Lys19Arg)

Gene: VPS13B (vacuolar protein sorting 13 homolog B; plus strand). Cytogenetic location: 8q22.2.
Variant type: single nucleotide variant.
Coding change: c.56A>G on transcript NM_152564.5 (MANE Select); coding-DNA position 56, A replaced by G.
Protein change: p.Lys19Arg; replaces lysine 19 with arginine.
Molecular consequence: missense variant. On other transcripts: non-coding transcript variant (1).
Genome position (GRCh38, 1-based): chr8:99,013,844, A>G. VCF-style: chr8-99013844-A-G. GRCh37 (hg19) VCF-style: chr8-100026072-A-G.
Other names: p.Lys19Arg; c.56A>G, p.Lys19Arg (NM_015243.3, NM_017890.5, NM_181661.3); c.56A>G (NM_152564.4); short protein forms K19R.
Identifiers: ClinVar variation 195336 (VCV000195336.25), dbSNP rs200327756, ClinGen allele CA241729.